The following is an entry in ClinVar:

ClinVar aggregate classification (germline): Uncertain significance (1 of 4 stars; one submission).

Conditions:
Long QT syndrome (LQTS). Identifiers: MedGen C0023976, MeSH D008133, MONDO:0002442. Disease mechanism: loss of function. Inheritance: Various modes of inheritance.

Allele frequency attached by ClinVar (database versions not stated): gnomAD exomes below 0.00001.
gnomAD v4.1: 2 of 1,614,142 alleles (0.00012%); highest among the groups gnomAD compares: Non-Finnish European, 0.00017%; no homozygotes.

Submission:

Labcorp Genetics (formerly Invitae), Labcorp
Classification: Uncertain significance for Long QT syndrome. Last evaluated: 2024-04-29. Review status: criteria provided, single submitter. Criteria: Invitae Variant Classification Sherloc (09022015). Collection method: clinical testing. Allele origin: germline.
Comment: This sequence change replaces isoleucine, which is neutral and non-polar, with threonine, which is neutral and polar, at codon 3888 of the ANK2 protein (p.Ile3888Thr). This variant is not present in population databases (gnomAD no frequency). This variant has not been reported in the literature in individuals affected with ANK2-related conditions. Algorithms developed to predict the effect of missense changes on protein structure and function output the following: SIFT: "Not Available"; PolyPhen-2: "Benign"; Align-GVGD: "Not Available". The threonine amino acid residue is found in multiple mammalian species, which suggests that this missense change does not adversely affect protein function. In summary, the available evidence is currently insufficient to determine the role of this variant in disease. Therefore, it has been classified as a Variant of Uncertain Significance.

NM_001148.6(ANK2):c.11663T>C (p.Ile3888Thr)

Gene: ANK2 (ankyrin 2; plus strand). Cytogenetic location: 4q26.
Variant type: single nucleotide variant.
Coding change: c.11663T>C on transcript NM_001148.6 (MANE Select); coding-DNA position 11663, T replaced by C.
Protein change: p.Ile3888Thr; replaces isoleucine 3888 with threonine.
Molecular consequence: missense variant. On other transcripts: intron variant (1).
Genome position (GRCh38, 1-based): chr4:113,373,142, T>C. VCF-style: chr4-113373142-T-C. GRCh37 (hg19) VCF-style: chr4-114294298-T-C.
Other names: c.5174T>C, p.Ile1725Thr (NM_001386154.1); c.5147T>C, p.Ile1716Thr (NM_001386156.1, NM_001354257.2); c.5024T>C, p.Ile1675Thr (NM_001386157.1, NM_001354277.2); c.4925T>C, p.Ile1642Thr (NM_001386158.1); c.5252T>C, p.Ile1751Thr (NM_001386160.1); c.5342T>C, p.Ile1781Thr (NM_001386161.1, NM_001354256.2); c.5222T>C, p.Ile1741Thr (NM_001386162.1, NM_001354249.2, NM_001354266.2 and 2 more transcripts); c.8063T>C, p.Ile2688Thr (NM_001386166.1); and 44 more; short protein forms I1703T, I1708T, I1725T, I1741T, I1748T, I1758T, I1761T, I1770T.
Identifiers: ClinVar variation 2718718 (VCV002718718.3), dbSNP rs1564181479, ClinGen allele CA357943432.